The following is an entry in ClinVar:

NM_000168.6(GLI3):c.4677C>A (p.Ile1559=)

Gene: GLI3 (GLI family zinc finger 3; minus strand). Cytogenetic location: 7p14.1.
Variant type: single nucleotide variant.
Coding change: c.4677C>A on transcript NM_000168.6 (MANE Select); coding-DNA position 4677, C replaced by A.
Protein change: p.Ile1559=; no amino-acid change (isoleucine 1559 retained).
Molecular consequence: synonymous variant.
Genome position (GRCh38, 1-based): chr7:41,964,396, G>T on the plus strand (C>A on the coding strand, the complement: GLI3 is on the minus strand). VCF-style: chr7-41964396-G-T. GRCh37 (hg19) VCF-style: chr7-42003994-G-T.
Identifiers: ClinVar variation 3053348 (VCV003053348.2), dbSNP rs1360348103, ClinGen allele CA454656159.

ClinVar aggregate classification (germline): Likely benign (0 of 4 stars; one submission).

Conditions:
GLI3-related disorder. Also called: GLI3-related disorders; GLI3-related condition. Identifiers: MedGen CN239292.

Submission:

PreventionGenetics, part of Exact Sciences
Classification: Likely benign for GLI3-related condition. Last evaluated: 2023-06-16. Review status: no assertion criteria provided. Collection method: clinical testing. Allele origin: germline.
Comment: This variant is classified as likely benign based on ACMG/AMP sequence variant interpretation guidelines (Richards et al. 2015 PMID: 25741868, with internal and published modifications).